The following is an entry in ClinVar:

NM_014285.7(EXOSC2):c.161C>T (p.Ala54Val)

Gene: EXOSC2 (exosome component 2; plus strand). Cytogenetic location: 9q34.12.
Variant type: single nucleotide variant.
Coding change: c.161C>T on transcript NM_014285.7 (MANE Select); coding-DNA position 161, C replaced by T.
Protein change: p.Ala54Val; replaces alanine 54 with valine.
Molecular consequence: missense variant. On other transcripts: non-coding transcript variant (1).
Genome position (GRCh38, 1-based): chr9:130,695,530, C>T. VCF-style: chr9-130695530-C-T. GRCh37 (hg19) VCF-style: chr9-133570917-C-T.
Other names: c.161C>T, p.Ala54Val (NM_001282708.1, NM_001282709.1); short protein forms A54V.
Identifiers: ClinVar variation 851425 (VCV000851425.10), dbSNP rs1433969630, ClinGen allele CA375246415.

ClinVar aggregate classification (germline): Uncertain significance (1 of 4 stars; one submission).

Allele frequency attached by ClinVar (database versions not stated): gnomAD 0.00001; TOPMed 0.00002.
gnomAD v4.1: 1 of 1,614,100 alleles (0.000062%); highest among the groups gnomAD compares: African/African-American, 0.0013%; no homozygotes.

Submission:

Labcorp Genetics (formerly Invitae), Labcorp
Classification: Uncertain significance. Last evaluated: 2019-12-24. Review status: criteria provided, single submitter. Criteria: Invitae Variant Classification Sherloc (09022015). Collection method: clinical testing. Allele origin: germline.
Comment: This variant is not present in population databases (ExAC no frequency). In summary, the available evidence is currently insufficient to determine the role of this variant in disease. Therefore, it has been classified as a Variant of Uncertain Significance. Algorithms developed to predict the effect of missense changes on protein structure and function are either unavailable or do not agree on the potential impact of this missense change (SIFT: "Deleterious"; PolyPhen-2: "Possibly Damaging"; Align-GVGD: "Class C0"). This variant has not been reported in the literature in individuals with EXOSC2-related conditions. This sequence change replaces alanine with valine at codon 54 of the EXOSC2 protein (p.Ala54Val). The alanine residue is highly conserved and there is a small physicochemical difference between alanine and valine.